The following is an entry in ClinVar:

NM_145046.5(CALR3):c.277A>G (p.Ile93Val)

Gene: CALR3 (calreticulin 3; minus strand). Cytogenetic location: 19p13.11.
Variant type: single nucleotide variant.
Coding change: c.277A>G on transcript NM_145046.5 (MANE Select); coding-DNA position 277, A replaced by G.
Protein change: p.Ile93Val; replaces isoleucine 93 with valine.
Molecular consequence: missense variant.
Genome position (GRCh38, 1-based): chr19:16,490,487, T>C on the plus strand (A>G on the coding strand, the complement: CALR3 is on the minus strand). VCF-style: chr19-16490487-T-C. GRCh37 (hg19) VCF-style: chr19-16601298-T-C.
Other names: short protein forms I93V.
Identifiers: ClinVar variation 1505764 (VCV001505764.8), dbSNP rs2093396133, ClinGen allele CA404613761.

ClinVar aggregate classification (germline): Uncertain significance (1 of 4 stars; one submission).

Conditions:
Hypertrophic cardiomyopathy 19. Also called: Familial hypertrophic cardiomyopathy 19. Identifiers: MedGen CN077603, MONDO:0013476.

Allele frequency attached by ClinVar (database versions not stated): TOPMed below 0.00001; gnomAD 0.00001.
gnomAD v4.1: 1 of 1,614,056 alleles (0.000062%); highest among the groups gnomAD compares: Non-Finnish European, 0.000085%; no homozygotes.

Submission:

Labcorp Genetics (formerly Invitae), Labcorp
Classification: Uncertain significance for Hypertrophic cardiomyopathy 19. Last evaluated: 2021-07-16. Review status: criteria provided, single submitter. Criteria: Invitae Variant Classification Sherloc (09022015). Collection method: clinical testing. Allele origin: germline.
Comment: This variant has not been reported in the literature in individuals affected with CALR3-related conditions. In summary, the available evidence is currently insufficient to determine the role of this variant in disease. Therefore, it has been classified as a Variant of Uncertain Significance. Algorithms developed to predict the effect of missense changes on protein structure and function output the following: SIFT: "Tolerated"; PolyPhen-2: "Benign"; Align-GVGD: "Class C0". The valine amino acid residue is found in multiple mammalian species, which suggests that this missense change does not adversely affect protein function. This variant is not present in population databases (ExAC no frequency). This sequence change replaces isoleucine with valine at codon 93 of the CALR3 protein (p.Ile93Val). The isoleucine residue is highly conserved and there is a small physicochemical difference between isoleucine and valine.